The following is an entry in ClinVar:

ClinVar aggregate classification (germline): Uncertain significance (1 of 4 stars; one submission).

Conditions:
Inborn genetic diseases. Identifiers: MedGen C0950123, MeSH D030342.

Submission:

Ambry Genetics
Classification: Uncertain significance for Inborn genetic diseases. Last evaluated: 2025-01-03. Review status: criteria provided, single submitter. Criteria: Ambry Variant Classification Scheme 2023. Collection method: clinical testing. Allele origin: germline.
Comment: The p.Q1370K variant (also known as c.4108C>A), located in coding exon 1 of the SAMD9L gene, results from a C to A substitution at nucleotide position 4108. The glutamine at codon 1370 is replaced by lysine, an amino acid with similar properties. This amino acid position is conserved. In addition, this alteration is predicted to be tolerated by in silico analysis. Based on the available evidence, the clinical significance of this variant remains unclear.

NM_152703.5(SAMD9L):c.4108C>A (p.Gln1370Lys)

Gene: SAMD9L (sterile alpha motif domain containing 9 like; minus strand). Cytogenetic location: 7q21.2.
Variant type: single nucleotide variant.
Coding change: c.4108C>A on transcript NM_152703.5 (MANE Select); coding-DNA position 4108, C replaced by A.
Protein change: p.Gln1370Lys; replaces glutamine 1370 with lysine.
Molecular consequence: missense variant.
Genome position (GRCh38, 1-based): chr7:93,131,864, G>T on the plus strand (C>A on the coding strand, the complement: SAMD9L is on the minus strand). VCF-style: chr7-93131864-G-T. GRCh37 (hg19) VCF-style: chr7-92761177-G-T.
Other names: c.4108C>A, p.Gln1370Lys (NM_001303496.3, NM_001303497.3, NM_001303498.3 and 5 more transcripts); short protein forms Q1370K.
Identifiers: ClinVar variation 3792269 (VCV003792269.1).